The following is an entry in ClinVar:

NM_000170.3(GLDC):c.256_269delinsG (p.Ser86fs)

Gene: GLDC (glycine decarboxylase; minus strand). Cytogenetic location: 9p24.1.
Variant type: Indel.
Coding change: c.256_269delinsG on transcript NM_000170.3 (MANE Select); coding-DNA positions 256 to 269, AGCATTGATGAATT replaced by G.
Protein change: p.Ser86fs; shifts the reading frame from serine 86.
Molecular consequence: frameshift variant.
Genome position (GRCh38, 1-based): chr9:6,644,679-6,644,692, AATTCATCAATGCT replaced by C on the plus strand (AGCATTGATGAATT replaced by G on the coding strand, the reverse complement: GLDC is on the minus strand). VCF-style: chr9-6644679-AATTCATCAATGCT-C. GRCh37 (hg19) VCF-style: chr9-6644679-AATTCATCAATGCT-C.
Other names: short protein forms S86fs.
Identifiers: ClinVar variation 5004364 (VCV005004364.1).
Genomic context (GRCh38, chr9:6,644,679, plus strand): 5'-GGGTCTTCCATTTTCAAGGGTCTTTTCAAACGGATGTTGGCAGGGACCGTCTTCTCGATC[AATTCATCAATGCT>C]CTAAAATTAAAACGCAAGGCAGAGGAAAGTGCCTCTGAGTTAAAAGAGTCACCTCTGTGT-3'

ClinVar aggregate classification (germline): Pathogenic (1 of 4 stars; one submission).

Conditions:
Glycine encephalopathy 1 (GCE1). Identifiers: MedGen CN376801, MONDO:0958179, OMIM 605899.

Submission:

Myriad Genetics, Inc.
Classification: Pathogenic for Glycine encephalopathy 1. Last evaluated: 2026-01-02. Review status: criteria provided, single submitter. Criteria: Myriad Autosomal Dominant, Autosomal Recessive and X-Linked Classification Criteria (2023). Collection method: clinical testing. Allele origin: unknown.
Comment: NM_000170.2(GLDC):c.256_269del14ins1(S86Gfs*12) is a frameshift variant classified as pathogenic in the context of glycine encephalopathy, GLDC-related. S86Gfs*12 has not been observed in cases with relevant disease. Relevant functional assessments of this variant are not available in the literature. S86Gfs*12 has not been observed in referenced population frequency databases. In summary, NM_000170.2(GLDC):c.256_269del14ins1(S86Gfs*12) is a frameshift variant in a gene where loss of function is a known mechanism of disease and is predicted to disrupt protein function. Please note: this variant was assessed in the context of healthy population screening.